The following is an entry in ClinVar:

ClinVar aggregate classification (germline): Uncertain significance (1 of 4 stars; one submission).

Conditions:
Hereditary cancer-predisposing syndrome. Also called: Neoplastic Syndromes, Hereditary; Tumor predisposition; Hereditary neoplastic syndrome; Hereditary Cancer Syndrome. Identifiers: Orphanet 140162, MedGen C0027672, MeSH D009386, MONDO:0015356.

Allele frequency attached by ClinVar (database versions not stated): TOPMed below 0.00001; gnomAD 0.00001.
gnomAD v4.1: 1 of 1,604,010 alleles (0.000062%); highest among the groups gnomAD compares: Admixed American, 0.0017%; no homozygotes.

Submission:

Ambry Genetics
Classification: Uncertain significance for Hereditary cancer-predisposing syndrome. Last evaluated: 2024-01-13. Review status: criteria provided, single submitter. Criteria: Ambry Variant Classification Scheme 2023. Collection method: clinical testing. Allele origin: germline.
Comment: The p.T345S variant (also known as c.1034C>G), located in coding exon 10 of the RB1 gene, results from a C to G substitution at nucleotide position 1034. The threonine at codon 345 is replaced by serine, an amino acid with similar properties. This amino acid position is conserved. In addition, this alteration is predicted to be tolerated by in silico analysis. Since supporting evidence is limited at this time, the clinical significance of this alteration remains unclear.

NM_000321.3(RB1):c.1034C>G (p.Thr345Ser)

Gene: RB1 (RB transcriptional corepressor 1; plus strand). Cytogenetic location: 13q14.2.
Variant type: single nucleotide variant.
Coding change: c.1034C>G on transcript NM_000321.3 (MANE Select); coding-DNA position 1034, C replaced by G.
Protein change: p.Thr345Ser; replaces threonine 345 with serine.
Molecular consequence: missense variant.
Genome position (GRCh38, 1-based): chr13:48,367,588, C>G. VCF-style: chr13-48367588-C-G. GRCh37 (hg19) VCF-style: chr13-48941724-C-G.
Other names: c.1034C>G, p.Thr345Ser (NM_001407165.1, NM_001407166.1); short protein forms T345S.
Identifiers: ClinVar variation 3231176 (VCV003231176.1), dbSNP rs1952716833, ClinGen allele CA388160911.